The following is an entry in ClinVar:

ClinVar aggregate classification (germline): Uncertain significance (1 of 4 stars; one submission).

gnomAD v4.1: 3 of 1,202,999 alleles (0.00025%); highest among the groups gnomAD compares: African/African-American, 0.0052%; no homozygotes.

Submission:

Greenwood Genetic Center Diagnostic Laboratories, Greenwood Genetic Center
Classification: Uncertain significance. Last evaluated: 2025-02-25. Review status: criteria provided, single submitter. Criteria: ACMG Guidelines, 2015. Collection method: clinical testing. Allele origin: germline.
Comment: PM2, BP4

NM_153252.5(BRWD3):c.1311A>T (p.Thr437=)

Gene: BRWD3 (bromodomain and WD repeat domain containing 3; minus strand). Cytogenetic location: Xq21.1.
Variant type: single nucleotide variant.
Coding change: c.1311A>T on transcript NM_153252.5 (MANE Select); coding-DNA position 1311, A replaced by T.
Protein change: p.Thr437=; no amino-acid change (threonine 437 retained).
Molecular consequence: synonymous variant.
Genome position (GRCh38, 1-based): chrX:80,728,827, T>A on the plus strand (A>T on the coding strand, the complement: BRWD3 is on the minus strand). VCF-style: chrX-80728827-T-A. GRCh37 (hg19) VCF-style: chrX-79984326-T-A.
Other names: c.1311A>T, p.Thr437= (NM_001441339.1).
Identifiers: ClinVar variation 4851712 (VCV004851712.1).